The following is an entry in ClinVar:

ClinVar aggregate classification (germline): Uncertain significance (1 of 4 stars; one submission).

Conditions:
PHGDH deficiency. Identifiers: Orphanet 79351, MedGen C1866174, MONDO:0011152, OMIM 601815.

Allele frequency attached by ClinVar (database versions not stated): gnomAD 0.00005.
gnomAD v4.1: 128 of 1,613,868 alleles (0.0079%); highest among the groups gnomAD compares: Non-Finnish European, 0.011%; no homozygotes.

Submission:

Labcorp Genetics (formerly Invitae), Labcorp
Classification: Uncertain significance for PHGDH deficiency. Last evaluated: 2021-11-02. Review status: criteria provided, single submitter. Criteria: Invitae Variant Classification Sherloc (09022015). Collection method: clinical testing. Allele origin: germline.
Comment: This sequence change replaces arginine, which is basic and polar, with glycine, which is neutral and non-polar, at codon 135 of the PHGDH protein (p.Arg135Gly). This variant is present in population databases (rs267606949, gnomAD 0.008%). This variant has not been reported in the literature in individuals affected with PHGDH-related conditions. Algorithms developed to predict the effect of missense changes on protein structure and function are either unavailable or do not agree on the potential impact of this missense change (SIFT: "Deleterious"; PolyPhen-2: "Possibly Damaging"; Align-GVGD: "Class C0"). This variant disrupts the p.Arg135T amino acid residue in PHGDH. Other variant(s) that disrupt this residue have been determined to be pathogenic (PMID: 19235232, 26610677). This suggests that this residue is clinically significant, and that variants that disrupt this residue are likely to be disease-causing. In summary, the available evidence is currently insufficient to determine the role of this variant in disease. Therefore, it has been classified as a Variant of Uncertain Significance.

Literature cited by the submitters: PubMed 19235232; PubMed 26610677.

NM_006623.4(PHGDH):c.403C>G (p.Arg135Gly)

Gene: PHGDH (phosphoglycerate dehydrogenase; plus strand). Cytogenetic location: 1p12.
Variant type: single nucleotide variant.
Coding change: c.403C>G on transcript NM_006623.4 (MANE Select); coding-DNA position 403, C replaced by G.
Protein change: p.Arg135Gly; replaces arginine 135 with glycine.
Molecular consequence: missense variant.
Genome position (GRCh38, 1-based): chr1:119,726,897, C>G. VCF-style: chr1-119726897-C-G. GRCh37 (hg19) VCF-style: chr1-120269520-C-G.
Other names: short protein forms R135G.
Identifiers: ClinVar variation 2051719 (VCV002051719.1), dbSNP rs267606949, ClinGen allele CA1037075.